The following is an entry in ClinVar:

ClinVar aggregate classification (germline): Uncertain significance (1 of 4 stars; one submission).

Submission:

Labcorp Genetics (formerly Invitae), Labcorp
Classification: Uncertain significance. Last evaluated: 2023-03-20. Review status: criteria provided, single submitter. Criteria: Invitae Variant Classification Sherloc (09022015). Collection method: clinical testing. Allele origin: germline.
Comment: In summary, the available evidence is currently insufficient to determine the role of this variant in disease. Therefore, it has been classified as a Variant of Uncertain Significance. An algorithm developed to predict the effect of missense changes on protein structure and function (PolyPhen-2) suggests that this variant is likely to be disruptive. This variant has not been reported in the literature in individuals affected with PLEKHM2-related conditions. This sequence change replaces leucine, which is neutral and non-polar, with proline, which is neutral and non-polar, at codon 45 of the PLEKHM2 protein (p.Leu45Pro). This variant is not present in population databases (gnomAD no frequency).

NM_015164.4(PLEKHM2):c.134T>C (p.Leu45Pro)

Gene: PLEKHM2 (pleckstrin homology and RUN domain containing M2; plus strand). Cytogenetic location: 1p36.21.
Variant type: single nucleotide variant.
Coding change: c.134T>C on transcript NM_015164.4 (MANE Select); coding-DNA position 134, T replaced by C.
Protein change: p.Leu45Pro; replaces leucine 45 with proline.
Molecular consequence: missense variant.
Genome position (GRCh38, 1-based): chr1:15,716,310, T>C. VCF-style: chr1-15716310-T-C. GRCh37 (hg19) VCF-style: chr1-16042805-T-C.
Other names: c.134T>C, p.Leu45Pro (NM_001410755.1); short protein forms L45P.
Identifiers: ClinVar variation 2847777 (VCV002847777.3), dbSNP rs1233729194, ClinGen allele CA338577462.
Genomic context (GRCh38, chr1:15,716,310, plus strand): 5'-TTGCTGCATGTGAGGATGAGATCCCTGCCATCCGGAACCATGACAAGGTCCTACAGCGTC[T>C]GTGTGAGCACCTGGACCACGCCCTGCTGTACGGGTAAGGTGGAGGAAGTTTCCAAAGATG-3'
Protein context (NP_055979.2, residues 35-55): IRNHDKVLQR[Leu45Pro]CEHLDHALLY